The following is an entry in ClinVar:

ClinVar aggregate classification (germline): Uncertain significance. Review status: criteria provided, multiple submitters, no conflicts (2 of 4 stars). 2 submissions from 2 submitters: Uncertain significance (2). Last evaluated 2025-08-01.

Conditions:
Hereditary cancer-predisposing syndrome. Also called: Tumor predisposition; Hereditary neoplastic syndrome; Neoplastic Syndromes, Hereditary; Hereditary Cancer Syndrome. Identifiers: Orphanet 140162, MedGen C0027672, MeSH D009386, MONDO:0015356.
Gastrointestinal stromal tumor. Also called: Gastrointestinal stroma tumor; Gastrointestinal stromal tumor, somatic. Identifiers: Orphanet 44890, MedGen C0238198, MeSH D046152, MONDO:0011719, OMIM 606764, HP:0100723.

Allele frequency attached by ClinVar (database versions not stated): gnomAD exomes below 0.00001; ExAC 0.00001.
gnomAD v4.1: 2 of 1,613,006 alleles (0.00012%); highest among the groups gnomAD compares: South Asian, 0.0011%; no homozygotes.

Submissions (2):

Ambry Genetics
Classification: Uncertain significance for Hereditary cancer-predisposing syndrome. Last evaluated: 2025-08-01. Review status: criteria provided, single submitter. Criteria: Ambry Variant Classification Scheme 2023. Collection method: clinical testing. Allele origin: germline.

Labcorp Genetics (formerly Invitae), Labcorp
Classification: Uncertain significance for Gastrointestinal stromal tumor. Last evaluated: 2025-01-11. Review status: criteria provided, single submitter. Criteria: Invitae Variant Classification Sherloc (09022015). Collection method: clinical testing. Allele origin: germline.
Comment: This sequence change replaces threonine, which is neutral and polar, with alanine, which is neutral and non-polar, at codon 253 of the KIT protein (p.Thr253Ala). This variant is present in population databases (rs765944197, gnomAD 0.003%). This variant has not been reported in the literature in individuals affected with KIT-related conditions. ClinVar contains an entry for this variant (Variation ID: 458970). An algorithm developed to predict the effect of missense changes on protein structure and function outputs the following: PolyPhen-2: "Benign". The alanine amino acid residue is found in multiple mammalian species, which suggests that this missense change does not adversely affect protein function. In summary, the available evidence is currently insufficient to determine the role of this variant in disease. Therefore, it has been classified as a Variant of Uncertain Significance.

NM_000222.3(KIT):c.757A>G (p.Thr253Ala)

Gene: KIT (KIT proto-oncogene, receptor tyrosine kinase; plus strand). Cytogenetic location: 4q12.
Variant type: single nucleotide variant.
Coding change: c.757A>G on transcript NM_000222.3 (MANE Select); coding-DNA position 757, A replaced by G.
Protein change: p.Thr253Ala; replaces threonine 253 with alanine.
Molecular consequence: missense variant.
Genome position (GRCh38, 1-based): chr4:54,703,724, A>G. VCF-style: chr4-54703724-A-G. GRCh37 (hg19) VCF-style: chr4-55569890-A-G.
Other names: c.757A>G, p.Thr253Ala (NM_001093772.2, NM_001385285.1, NM_001385286.1); c.760A>G, p.Thr254Ala (NM_001385284.1, NM_001385288.1, NM_001385290.1 and 1 more transcripts); short protein forms T253A, T254A.
Identifiers: ClinVar variation 458970 (VCV000458970.13), dbSNP rs765944197, ClinGen allele CA2923318.